The following is an entry in ClinVar:

NM_001377137.1(GBF1):c.585-8T>C

Gene: GBF1 (golgi brefeldin A resistant guanine nucleotide exchange factor 1; plus strand). Cytogenetic location: 10q24.32.
Variant type: single nucleotide variant.
Coding change: c.585-8T>C on transcript NM_001377137.1 (MANE Select); 8 bases into the intron before coding-DNA position 585, T replaced by C.
Molecular consequence: intron variant.
Genome position (GRCh38, 1-based): chr10:102,353,592, T>C. VCF-style: chr10-102353592-T-C. GRCh37 (hg19) VCF-style: chr10-104113349-T-C.
Other names: c.585-8T>C (NM_001391924.1, NM_001391923.1, NM_001377141.1 and 16 more transcripts).
Identifiers: ClinVar variation 4687137 (VCV004687137.1).

ClinVar aggregate classification (germline): Likely benign (1 of 4 stars; one submission).

gnomAD v4.1: 11 of 1,587,624 alleles (0.00069%); highest among the groups gnomAD compares: African/African-American, 0.0013%; no homozygotes.

Submission:

Women's Health and Genetics/Laboratory Corporation of America, LabCorp
Classification: Likely benign. Last evaluated: 2025-10-30. Review status: criteria provided, single submitter. Criteria: LabCorp Variant Classification Summary - May 2015. Collection method: clinical testing. Allele origin: germline.
Comment: Variant summary: GBF1 c.585-8T>C alters a nucleotide located at a position not widely known to affect splicing. Consensus agreement among computation tools predict no significant impact on normal splicing. However, these predictions have yet to be confirmed by functional studies. The variant allele was found at a frequency of 8e-06 in 251392 control chromosomes (gnomAD). The available data on variant occurrences in the general population are insufficient to allow any conclusion about variant significance. To our knowledge, no occurrence of c.585-8T>C in individuals affected with GBF1-related conditions and no experimental evidence demonstrating its impact on protein function have been reported. No submitters have cited clinical-significance assessments for this variant to ClinVar. Based on the evidence outlined above, the variant was classified as likely benign.